The following is an entry in ClinVar:

ClinVar aggregate classification (germline): Uncertain significance (1 of 4 stars; one submission).

gnomAD v4.1: 2 of 1,614,118 alleles (0.00012%); highest among the groups gnomAD compares: Admixed American, 0.0033%; no homozygotes.

Submission:

Labcorp Genetics (formerly Invitae), Labcorp
Classification: Uncertain significance. Last evaluated: 2025-07-08. Review status: criteria provided, single submitter. Criteria: Invitae Variant Classification Sherloc (09022015). Collection method: clinical testing. Allele origin: germline.
Comment: This sequence change replaces proline, which is neutral and non-polar, with arginine, which is basic and polar, at codon 339 of the FBLN5 protein (p.Pro339Arg). This variant is present in population databases (no rsID available, gnomAD 0.006%). This variant has not been reported in the literature in individuals affected with FBLN5-related conditions. ClinVar contains an entry for this variant (Variation ID: 1467721). Invitae Evidence Modeling of protein sequence and biophysical properties (such as structural, functional, and spatial information, amino acid conservation, physicochemical variation, residue mobility, and thermodynamic stability) indicates that this missense variant is not expected to disrupt FBLN5 protein function with a negative predictive value of 80%. In summary, the available evidence is currently insufficient to determine the role of this variant in disease. Therefore, it has been classified as a Variant of Uncertain Significance.

NM_006329.4(FBLN5):c.1016C>G (p.Pro339Arg)

Gene: FBLN5 (fibulin 5; minus strand). Cytogenetic location: 14q32.12.
Variant type: single nucleotide variant.
Coding change: c.1016C>G on transcript NM_006329.4 (MANE Select); coding-DNA position 1016, C replaced by G.
Protein change: p.Pro339Arg; replaces proline 339 with arginine.
Molecular consequence: missense variant.
Genome position (GRCh38, 1-based): chr14:91,877,656, G>C on the plus strand (C>G on the coding strand, the complement: FBLN5 is on the minus strand). VCF-style: chr14-91877656-G-C. GRCh37 (hg19) VCF-style: chr14-92344000-G-C.
Other names: c.1139C>G, p.Pro380Arg (NM_001384158.1); c.1067C>G, p.Pro356Arg (NM_001384159.1); c.1016C>G, p.Pro339Arg (NM_001384160.1); c.848C>G, p.Pro283Arg (NM_001384161.1, NM_001384162.1); short protein forms P283R, P339R, P356R, P380R.
Identifiers: ClinVar variation 1467721 (VCV001467721.6), dbSNP rs1243959368, ClinGen allele CA390641056.